The following is an entry in ClinVar:

NM_002468.5(MYD88):c.653G>A (p.Arg218Gln)

Gene: MYD88 (MYD88 innate immune signal transduction adaptor; plus strand). Cytogenetic location: 3p22.2.
Variant type: single nucleotide variant.
Coding change: c.653G>A on transcript NM_002468.5 (MANE Select); coding-DNA position 653, G replaced by A.
Protein change: p.Arg218Gln; replaces arginine 218 with glutamine.
Molecular consequence: missense variant. On other transcripts: intron variant (1).
Genome position (GRCh38, 1-based): chr3:38,140,765, G>A. VCF-style: chr3-38140765-G-A. GRCh37 (hg19) VCF-style: chr3-38182256-G-A.
Other names: c.337G>A, p.Gly113Arg (NM_001172566.2); c.677G>A, p.Arg226Gln (NM_001172567.2); c.518G>A, p.Arg173Gln (NM_001172568.2); c.472G>A, p.Gly158Arg (NM_001172569.3); c.634G>A, p.Gly212Arg (NM_001365876.1); c.499G>A, p.Gly167Arg (NM_001365877.1); c.645-35G>A (NM_001374787.1); short protein forms G212R, R226Q, R218Q, R239Q, R173Q, G113R, G158R, G167R.
Identifiers: ClinVar variation 1980900 (VCV001980900.2), dbSNP rs750043155, ClinGen allele CA2316201.

ClinVar aggregate classification (germline): Uncertain significance (1 of 4 stars; one submission).

Conditions:
Pyogenic bacterial infections due to MyD88 deficiency (IMD68). Also called: PYOGENIC BACTERIAL INFECTIONS, RECURRENT, DUE TO MYD88 DEFICIENCY. Identifiers: Orphanet 183713, MedGen C2677092, MONDO:0012839, OMIM 612260.

Allele frequency attached by ClinVar (database versions not stated): ExAC 0.00001; TOPMed below 0.00001.
gnomAD v4.1: 50 of 1,614,140 alleles (0.0031%); highest among the groups gnomAD compares: Non-Finnish European, 0.0039%; no homozygotes.

Submission:

Labcorp Genetics (formerly Invitae), Labcorp
Classification: Uncertain significance for Pyogenic bacterial infections due to MyD88 deficiency. Last evaluated: 2025-12-08. Review status: criteria provided, single submitter. Criteria: Invitae Variant Classification Sherloc (09022015). Collection method: clinical testing. Allele origin: germline.
Comment: This sequence change replaces arginine, which is basic and polar, with glutamine, which is neutral and polar, at codon 231 of the MYD88 protein (p.Arg231Gln). This variant is present in population databases (rs750043155, gnomAD 0.007%). This variant has not been reported in the literature in individuals affected with MYD88-related conditions. ClinVar contains an entry for this variant (Variation ID: 1980900). An algorithm developed to predict the effect of missense changes on protein structure and function (PolyPhen-2) suggests that this variant is likely to be disruptive. In summary, the available evidence is currently insufficient to determine the role of this variant in disease. Therefore, it has been classified as a Variant of Uncertain Significance.